The following is an entry in ClinVar:

NM_144997.7(FLCN):c.1292T>C (p.Leu431Pro)

Gene: FLCN (folliculin; minus strand). Cytogenetic location: 17p11.2.
Variant type: single nucleotide variant.
Coding change: c.1292T>C on transcript NM_144997.7 (MANE Select); coding-DNA position 1292, T replaced by C.
Protein change: p.Leu431Pro; replaces leucine 431 with proline.
Molecular consequence: missense variant.
Genome position (GRCh38, 1-based): chr17:17,216,388, A>G on the plus strand (T>C on the coding strand, the complement: FLCN is on the minus strand). VCF-style: chr17-17216388-A-G. GRCh37 (hg19) VCF-style: chr17-17119702-A-G.
Other names: c.1346T>C, p.Leu449Pro (NM_001353229.2); c.1292T>C, p.Leu431Pro (NM_001353230.2, NM_001353231.2); short protein forms L431P, L449P.
Identifiers: ClinVar variation 4257914 (VCV004257914.1).

ClinVar aggregate classification (germline): Uncertain significance (1 of 4 stars; one submission).

Conditions:
Hereditary cancer-predisposing syndrome. Also called: Hereditary Cancer Syndrome; Hereditary neoplastic syndrome; Neoplastic Syndromes, Hereditary; Tumor predisposition. Identifiers: Orphanet 140162, MedGen C0027672, MeSH D009386, MONDO:0015356.

gnomAD v4.1: 3 of 1,613,416 alleles (0.00019%); highest among the groups gnomAD compares: South Asian, 0.0033%; no homozygotes.

Submission:

Ambry Genetics
Classification: Uncertain significance for Hereditary cancer-predisposing syndrome. Last evaluated: 2025-06-24. Review status: criteria provided, single submitter. Criteria: Ambry Variant Classification Scheme 2023. Collection method: clinical testing. Allele origin: germline.
Comment: The p.L431P variant (also known as c.1292T>C), located in coding exon 8 of the FLCN gene, results from a T to C substitution at nucleotide position 1292. The leucine at codon 431 is replaced by proline, an amino acid with similar properties. This amino acid position is not well conserved in available vertebrate species. In addition, the in silico prediction for this alteration is inconclusive. Based on the available evidence, the clinical significance of this variant remains unclear.